The following is an entry in ClinVar:

ClinVar aggregate classification (germline): Uncertain significance (1 of 4 stars; one submission).

Allele frequency attached by ClinVar (database versions not stated): ExAC 0.00001; gnomAD 0.00001; 1000 Genomes Project 30x 0.00016; 1000 Genomes Project 0.00020.
gnomAD v4.1: 1 of 1,614,188 alleles (0.000062%); highest among the groups gnomAD compares: South Asian, 0.0011%; no homozygotes.

Submission:

Labcorp Genetics (formerly Invitae), Labcorp
Classification: Uncertain significance. Last evaluated: 2022-04-10. Review status: criteria provided, single submitter. Criteria: Invitae Variant Classification Sherloc (09022015). Collection method: clinical testing. Allele origin: germline.
Comment: This sequence change replaces threonine, which is neutral and polar, with isoleucine, which is neutral and non-polar, at codon 1245 of the KMT2A protein (p.Thr1245Ile). This variant is not present in population databases (gnomAD no frequency). This variant has not been reported in the literature in individuals affected with KMT2A-related conditions. Advanced modeling of protein sequence and biophysical properties (such as structural, functional, and spatial information, amino acid conservation, physicochemical variation, residue mobility, and thermodynamic stability) performed at Invitae indicates that this missense variant is not expected to disrupt KMT2A protein function. In summary, the available evidence is currently insufficient to determine the role of this variant in disease. Therefore, it has been classified as a Variant of Uncertain Significance.

NM_001197104.2(KMT2A):c.3734C>T (p.Thr1245Ile)

Gene: KMT2A (lysine methyltransferase 2A; plus strand). Cytogenetic location: 11q23.3.
Variant type: single nucleotide variant.
Coding change: c.3734C>T on transcript NM_001197104.2 (MANE Select); coding-DNA position 3734, C replaced by T.
Protein change: p.Thr1245Ile; replaces threonine 1245 with isoleucine.
Molecular consequence: missense variant.
Genome position (GRCh38, 1-based): chr11:118,481,814, C>T. VCF-style: chr11-118481814-C-T. GRCh37 (hg19) VCF-style: chr11-118352529-C-T.
Other names: c.3833C>T, p.Thr1278Ile (NM_001412597.1); c.3734C>T, p.Thr1245Ile (NM_005933.4); short protein forms T1245I, T1278I.
Identifiers: ClinVar variation 2124282 (VCV002124282.4), dbSNP rs528361199, ClinGen allele CA6303718.